The following is an entry in ClinVar:

NM_000719.7(CACNA1C):c.6371G>A (p.Ser2124Asn)

Genes: CACNA1C (calcium voltage-gated channel subunit alpha1 C; plus strand), CACNA1C-AS1 (CACNA1C antisense RNA 1; minus strand). Cytogenetic location: 12p13.33.
Variant type: single nucleotide variant.
Coding change: c.6371G>A on transcript NM_000719.7 (MANE Select); coding-DNA position 6371, G replaced by A.
Protein change: p.Ser2124Asn; replaces serine 2124 with asparagine.
Molecular consequence: missense variant. On other transcripts: non-coding transcript variant (1).
Genome position (GRCh38, 1-based): chr12:2,691,153, G>A. VCF-style: chr12-2691153-G-A. GRCh37 (hg19) VCF-style: chr12-2800319-G-A.
Other names: c.6515G>A, p.Ser2172Asn (NM_001129827.2); c.6494G>A, p.Ser2165Asn (NM_001129829.2); c.6476G>A, p.Ser2159Asn (NM_001129830.3, NM_001167624.3); c.6455G>A, p.Ser2152Asn (NM_001129831.2); c.6431G>A, p.Ser2144Asn (NM_001129832.2); c.6428G>A, p.Ser2143Asn (NM_001129833.2, NM_001129834.2, NM_001129835.2); c.6422G>A, p.Ser2141Asn (NM_001129836.2); c.6395G>A, p.Ser2132Asn (NM_001129837.2, NM_001129838.2); and 6 more; short protein forms S2124N, S2172N, S2159N, S2113N, S2165N, S2121N, S2132N, S2152N.
Identifiers: ClinVar variation 308165 (VCV000308165.12), dbSNP rs886049210, ClinGen allele CA10637122.

ClinVar aggregate classification (germline): Conflicting classifications of pathogenicity. Review status: criteria provided, conflicting classifications (1 of 4 stars). 2 submissions from 2 submitters: Uncertain significance (1); Likely benign (1). Last evaluated 2026-04-22.

Conditions:
Cardiovascular phenotype. Identifiers: MedGen CN230736.
Long QT syndrome (LQTS). Identifiers: MedGen C0023976, MeSH D008133, MONDO:0002442. Disease mechanism: loss of function. Inheritance: Various modes of inheritance.

Allele frequency attached by ClinVar (database versions not stated): gnomAD exomes below 0.00001; TOPMed below 0.00001.
gnomAD v4.1: 2 of 1,605,858 alleles (0.00012%); highest among the groups gnomAD compares: Non-Finnish European, 0.00017%; no homozygotes.

Submissions (2):

Ambry Genetics
Classification: Likely benign for Cardiovascular phenotype. Last evaluated: 2026-04-22. Review status: criteria provided, single submitter. Criteria: Ambry Variant Classification Scheme 2023. Collection method: clinical testing. Allele origin: germline.

Labcorp Genetics (formerly Invitae), Labcorp
Classification: Uncertain significance for Long QT syndrome. Last evaluated: 2024-05-15. Review status: criteria provided, single submitter. Criteria: Invitae Variant Classification Sherloc (09022015). Collection method: clinical testing. Allele origin: germline.
Comment: This sequence change replaces serine, which is neutral and polar, with asparagine, which is neutral and polar, at codon 2124 of the CACNA1C protein (p.Ser2124Asn). The frequency data for this variant in the population databases is considered unreliable, as metrics indicate poor data quality at this position in the gnomAD database. This variant has not been reported in the literature in individuals affected with CACNA1C-related conditions. ClinVar contains an entry for this variant (Variation ID: 308165). Advanced modeling of protein sequence and biophysical properties (such as structural, functional, and spatial information, amino acid conservation, physicochemical variation, residue mobility, and thermodynamic stability) performed at Invitae indicates that this missense variant is not expected to disrupt CACNA1C protein function with a negative predictive value of 95%. In summary, the available evidence is currently insufficient to determine the role of this variant in disease. Therefore, it has been classified as a Variant of Uncertain Significance.